The following is an entry in ClinVar:

NM_022725.4(FANCF):c.391G>A (p.Glu131Lys)

Gene: FANCF (FA complementation group F; minus strand). Cytogenetic location: 11p14.3.
Variant type: single nucleotide variant.
Coding change: c.391G>A on transcript NM_022725.4 (MANE Select); coding-DNA position 391, G replaced by A.
Protein change: p.Glu131Lys; replaces glutamic acid 131 with lysine.
Molecular consequence: missense variant.
Genome position (GRCh38, 1-based): chr11:22,625,420, C>T on the plus strand (G>A on the coding strand, the complement: FANCF is on the minus strand). VCF-style: chr11-22625420-C-T. GRCh37 (hg19) VCF-style: chr11-22646966-C-T.
Other names: short protein forms E131K.
Identifiers: ClinVar variation 2815148 (VCV002815148.3), dbSNP rs2133797877, ClinGen allele CA380059143.

ClinVar aggregate classification (germline): Uncertain significance (1 of 4 stars; one submission).

Conditions:
Fanconi anemia (FA). Also called: Fanconi's anemia. Identifiers: Orphanet 84, MedGen C0015625, MeSH D005199, MONDO:0019391.

Allele frequency attached by ClinVar (database versions not stated): gnomAD exomes below 0.00001.
gnomAD v4.1: 1 of 1,614,154 alleles (0.000062%); highest among the groups gnomAD compares: Non-Finnish European, 0.000085%; no homozygotes.

Submission:

Labcorp Genetics (formerly Invitae), Labcorp
Classification: Uncertain significance for Fanconi anemia. Last evaluated: 2022-12-12. Review status: criteria provided, single submitter. Criteria: Invitae Variant Classification Sherloc (09022015). Collection method: clinical testing. Allele origin: germline.
Comment: In summary, the available evidence is currently insufficient to determine the role of this variant in disease. Therefore, it has been classified as a Variant of Uncertain Significance. Advanced modeling of protein sequence and biophysical properties (such as structural, functional, and spatial information, amino acid conservation, physicochemical variation, residue mobility, and thermodynamic stability) performed at Invitae indicates that this missense variant is not expected to disrupt FANCF protein function. This variant has not been reported in the literature in individuals affected with FANCF-related conditions. This variant is not present in population databases (gnomAD no frequency). This sequence change replaces glutamic acid, which is acidic and polar, with lysine, which is basic and polar, at codon 131 of the FANCF protein (p.Glu131Lys).